The following is an entry in ClinVar:

ClinVar aggregate classification (germline): Uncertain significance (1 of 4 stars; one submission).

Submission:

Labcorp Genetics (formerly Invitae), Labcorp
Classification: Uncertain significance. Last evaluated: 2025-01-11. Review status: criteria provided, single submitter. Criteria: Invitae Variant Classification Sherloc (09022015). Collection method: clinical testing. Allele origin: germline.
Comment: This sequence change replaces tyrosine, which is neutral and polar, with cysteine, which is neutral and slightly polar, at codon 563 of the PACS2 protein (p.Tyr563Cys). This variant is not present in population databases (gnomAD no frequency). This variant has not been reported in the literature in individuals affected with PACS2-related conditions. Invitae Evidence Modeling of protein sequence and biophysical properties (such as structural, functional, and spatial information, amino acid conservation, physicochemical variation, residue mobility, and thermodynamic stability) indicates that this missense variant is expected to disrupt PACS2 protein function with a positive predictive value of 80%. In summary, the available evidence is currently insufficient to determine the role of this variant in disease. Therefore, it has been classified as a Variant of Uncertain Significance.

NM_001100913.3(PACS2):c.1688A>G (p.Tyr563Cys)

Gene: PACS2 (phosphofurin acidic cluster sorting protein 2; plus strand). Cytogenetic location: 14q32.33.
Variant type: single nucleotide variant.
Coding change: c.1688A>G on transcript NM_001100913.3 (MANE Select); coding-DNA position 1688, A replaced by G.
Protein change: p.Tyr563Cys; replaces tyrosine 563 with cysteine.
Molecular consequence: missense variant.
Genome position (GRCh38, 1-based): chr14:105,383,421, A>G. VCF-style: chr14-105383421-A-G. GRCh37 (hg19) VCF-style: chr14-105849758-A-G.
Other names: c.1451A>G, p.Tyr484Cys (NM_001243127.3); c.1676A>G, p.Tyr559Cys (NM_015197.4); short protein forms Y559C, Y484C, Y563C.
Identifiers: ClinVar variation 3666740 (VCV003666740.2).